The following is an entry in ClinVar:

ClinVar aggregate classification (germline): Likely benign (1 of 4 stars; one submission).

gnomAD v4.1: 65 of 1,610,630 alleles (0.004%); highest among the groups gnomAD compares: African/African-American, 0.011%; no homozygotes.

Submission:

CeGaT Center for Human Genetics Tuebingen
Classification: Likely benign. Last evaluated: 2026-08-01. Review status: criteria provided, single submitter. Criteria: CeGaT Center For Human Genetics Tuebingen Variant Classification Criteria Version 2. Collection method: clinical testing. Allele origin: germline. Affected: yes. Observed: 1 variant allele.
Comment: STAT6: BP4, BP7

NM_003153.5(STAT6):c.1188C>T (p.Pro396=)

Gene: STAT6 (signal transducer and activator of transcription 6; minus strand). Cytogenetic location: 12q13.3.
Variant type: single nucleotide variant.
Coding change: c.1188C>T on transcript NM_003153.5 (MANE Select); coding-DNA position 1188, C replaced by T.
Protein change: p.Pro396=; no amino-acid change (proline 396 retained).
Molecular consequence: synonymous variant. On other transcripts: non-coding transcript variant (1).
Genome position (GRCh38, 1-based): chr12:57,104,488, G>A on the plus strand (C>T on the coding strand, the complement: STAT6 is on the minus strand). VCF-style: chr12-57104488-G-A. GRCh37 (hg19) VCF-style: chr12-57498271-G-A.
Other names: c.1188C>T, p.Pro396= (NM_001178078.2, NM_001178079.2); c.858C>T, p.Pro286= (NM_001178080.2, NM_001178081.2).
Identifiers: ClinVar variation 5039597 (VCV005039597.1).